The following is an entry in ClinVar:

NM_000238.4(KCNH2):c.2118_2121dup (p.Thr708fs)

Gene: KCNH2 (potassium voltage-gated channel subfamily H member 2; minus strand). Cytogenetic location: 7q36.1.
Variant type: Duplication.
Coding change: c.2118_2121dup on transcript NM_000238.4 (MANE Select); coding-DNA positions 2118 to 2121, 4 bases duplicated (CTAC; older notation c.2118_2121dupCTAC).
Protein change: p.Thr708fs; shifts the reading frame from threonine 708.
Molecular consequence: frameshift variant.
Genome position (GRCh38, 1-based): chr7:150,950,945-150,950,948, GTAG duplicated on the plus strand (CTAC on the coding strand, the reverse complement: KCNH2 is on the minus strand); duplicating any 4 consecutive bases within chr7:150,950,945-150,950,949 gives the same sequence; the c. name uses the placement nearest the transcript's 3' end. VCF-style (leftmost placement, unchanged base first): chr7-150950944-T-TGTAG. GRCh37 (hg19) VCF-style: chr7-150648032-T-TGTAG.
Other names: c.1098_1101dup, p.Thr368fs (NM_001204798.2, NM_172057.3); c.1829_1832dup, p.Thr612Leufs (NM_001406753.1, NM_001406756.1); c.1940_1943dup, p.Thr649Leufs (NM_001406755.1); c.1817_1820dup, p.Thr608Leufs (NM_001406757.1); c.2117_2120dup, p.Thr708Leufs (NM_172056.3); short protein forms T368fs, T708fs.
Identifiers: ClinVar variation 1452601 (VCV001452601.8), dbSNP rs2116954362, ClinGen allele CA2573141865.

ClinVar aggregate classification (germline): Pathogenic (1 of 4 stars; one submission).

Conditions:
Long QT syndrome (LQTS). Identifiers: MedGen C0023976, MeSH D008133, MONDO:0002442. Disease mechanism: loss of function. Inheritance: Various modes of inheritance.

Submission:

Labcorp Genetics (formerly Invitae), Labcorp
Classification: Pathogenic for Long QT syndrome. Last evaluated: 2022-01-17. Review status: criteria provided, single submitter. Criteria: Invitae Variant Classification Sherloc (09022015). Collection method: clinical testing. Allele origin: germline.
Comment: For these reasons, this variant has been classified as Pathogenic. This variant has not been reported in the literature in individuals affected with KCNH2-related conditions. This variant is not present in population databases (gnomAD no frequency). This sequence change creates a premature translational stop signal (p.Thr708Leufs*16) in the KCNH2 gene. It is expected to result in an absent or disrupted protein product. Loss-of-function variants in KCNH2 are known to be pathogenic (PMID: 10973849, 19862833).

Literature cited by the submitters: PubMed 10973849; PubMed 19862833.